The following is an entry in ClinVar:

NM_000136.3(FANCC):c.1377C>G (p.Ser459Arg)

Genes: AOPEP (aminopeptidase O (putative); plus strand), FANCC (FA complementation group C; minus strand). Cytogenetic location: 9q22.32.
Variant type: single nucleotide variant.
Coding change: c.1377C>G on transcript NM_000136.3 (MANE Select); coding-DNA position 1377, C replaced by G.
Protein change: p.Ser459Arg; replaces serine 459 with arginine.
Molecular consequence: missense variant.
Genome position (GRCh38, 1-based): chr9:95,107,222, G>C on the plus strand (C>G on the coding strand, the complement: FANCC is on the minus strand). VCF-style: chr9-95107222-G-C. GRCh37 (hg19) VCF-style: chr9-97869504-G-C.
Other names: c.1377C>G, p.Ser459Arg (NM_001243743.2); short protein forms S459R.
Identifiers: ClinVar variation 3253424 (VCV003253424.1), dbSNP rs2540810001.

ClinVar aggregate classification (germline): Uncertain significance (1 of 4 stars; one submission).

Allele frequency attached by ClinVar (database versions not stated): gnomAD exomes below 0.00001.
gnomAD v4.1: 1 of 1,614,184 alleles (0.000062%); highest among the groups gnomAD compares: South Asian, 0.0011%; no homozygotes.

Submission:

GeneDx
Classification: Uncertain significance. Last evaluated: 2023-06-12. Review status: criteria provided, single submitter. Criteria: GeneDx Variant Classification Process June 2021. Collection method: clinical testing. Allele origin: germline. Affected: yes.
Comment: Not observed at significant frequency in large population cohorts (gnomAD); In silico analysis supports that this missense variant does not alter protein structure/function; Has not been previously published as pathogenic or benign to our knowledge